The following is an entry in ClinVar:

ClinVar aggregate classification (germline): Uncertain significance (1 of 4 stars; one submission).

Conditions:
Familial thoracic aortic aneurysm and aortic dissection (TAAD). Also called: Thoracic aortic aneurysms and dissections. Identifiers: Orphanet 91387, MedGen C4707243, MONDO:0019625.

gnomAD v4.1: 1 of 1,613,880 alleles (0.000062%); highest among the groups gnomAD compares: Admixed American, 0.0017%; no homozygotes.

Submission:

Color Diagnostics, LLC DBA Color Health
Classification: Uncertain significance for Familial thoracic aortic aneurysm and aortic dissection. Last evaluated: 2024-03-04. Review status: criteria provided, single submitter. Criteria: ACMG Guidelines, 2015. Collection method: clinical testing. Allele origin: germline.
Comment: This missense variant replaces valine with isoleucine at codon 85 of the TGFBR1 protein. Computational prediction suggests that this variant may not impact protein structure and function (internally defined REVEL score threshold <= 0.5, PMID: 27666373). To our knowledge, functional studies have not been reported for this variant. This variant has not been reported in individuals affected with TGFBR1-related disorders in the literature. This variant has not been identified in the general population by the Genome Aggregation Database (gnomAD). The available evidence is insufficient to determine the role of this variant in disease conclusively. Therefore, this variant is classified as a Variant of Uncertain Significance.

NM_004612.4(TGFBR1):c.253G>A (p.Val85Ile)

Gene: TGFBR1 (transforming growth factor beta receptor 1; plus strand). Cytogenetic location: 9q22.33.
Variant type: single nucleotide variant.
Coding change: c.253G>A on transcript NM_004612.4 (MANE Select); coding-DNA position 253, G replaced by A.
Protein change: p.Val85Ile; replaces valine 85 with isoleucine.
Molecular consequence: missense variant. On other transcripts: non-coding transcript variant (4), intron variant (3).
Genome position (GRCh38, 1-based): chr9:99,129,010, G>A. VCF-style: chr9-99129010-G-A. GRCh37 (hg19) VCF-style: chr9-101891292-G-A.
Other names: c.253G>A, p.Val85Ile (NM_001130916.3, NM_001306210.2, NM_001407416.1 and 2 more transcripts); c.46G>A, p.Val16Ile (NM_001407418.1, NM_001407419.1, NM_001407420.1 and 12 more transcripts); c.98-3499G>A (NM_001407436.1); c.98-8849G>A (NM_001407438.1); c.98-13526G>A (NM_001407437.1); short protein forms V16I, V85I.
Identifiers: ClinVar variation 3894388 (VCV003894388.1).
Genomic context (GRCh38, chr9:99,129,010, plus strand): 5'-GTTATACACAACAGCATGTGTATAGCTGAAATTGACTTAATTCCTCGAGATAGGCCGTTT[G>A]TATGTGCACCCTCTTCAAAAACTGGGTCTGTGACTACAACATATTGCTGCAATCAGGACC-3'
Protein context (NP_004603.1, residues 75-95): IDLIPRDRPF[Val85Ile]CAPSSKTGSV